The following is an entry in ClinVar:

ClinVar aggregate classification (germline): Uncertain significance. Review status: criteria provided, multiple submitters, no conflicts (2 of 4 stars). 2 submissions from 2 submitters: Uncertain significance (2). Last evaluated 2024-11-11.

Conditions:
Inborn genetic diseases. Identifiers: MedGen C0950123, MeSH D030342.

Allele frequency attached by ClinVar (database versions not stated): ExAC 0.00001; gnomAD 0.00001 and 0.00002; TOPMed 0.00002; gnomAD exomes 0.00003; ESP Exome Variant Server 0.00008; 1000 Genomes Project 30x 0.00016.
gnomAD v4.1: 35 of 1,613,926 alleles (0.0022%); highest among the groups gnomAD compares: Admixed American, 0.0067%; no homozygotes.

Submissions (2):

Ambry Genetics
Classification: Uncertain significance for Inborn genetic diseases. Last evaluated: 2024-11-11. Review status: criteria provided, single submitter. Criteria: Ambry Variant Classification Scheme 2023. Collection method: clinical testing. Allele origin: germline.

Labcorp Genetics (formerly Invitae), Labcorp
Classification: Uncertain significance. Last evaluated: 2022-11-01. Review status: criteria provided, single submitter. Criteria: Invitae Variant Classification Sherloc (09022015). Collection method: clinical testing. Allele origin: germline.
Comment: This sequence change replaces arginine, which is basic and polar, with glutamine, which is neutral and polar, at codon 562 of the P3H2 protein (p.Arg562Gln). This variant is present in population databases (rs376010445, gnomAD 0.04%). This variant has not been reported in the literature in individuals affected with P3H2-related conditions. ClinVar contains an entry for this variant (Variation ID: 1006210). Advanced modeling of protein sequence and biophysical properties (such as structural, functional, and spatial information, amino acid conservation, physicochemical variation, residue mobility, and thermodynamic stability) performed at Invitae indicates that this missense variant is expected to disrupt P3H2 protein function. In summary, the available evidence is currently insufficient to determine the role of this variant in disease. Therefore, it has been classified as a Variant of Uncertain Significance.

NM_018192.4(P3H2):c.1685G>A (p.Arg562Gln)

Gene: P3H2 (prolyl 3-hydroxylase 2; minus strand). Cytogenetic location: 3q28.
Variant type: single nucleotide variant.
Coding change: c.1685G>A on transcript NM_018192.4 (MANE Select); coding-DNA position 1685, G replaced by A.
Protein change: p.Arg562Gln; replaces arginine 562 with glutamine.
Molecular consequence: missense variant.
Genome position (GRCh38, 1-based): chr3:189,972,888, C>T on the plus strand (G>A on the coding strand, the complement: P3H2 is on the minus strand). VCF-style: chr3-189972888-C-T. GRCh37 (hg19) VCF-style: chr3-189690677-C-T.
Other names: c.1142G>A, p.Arg381Gln (NM_001134418.2); c.1685G>A (NM_018192.3); short protein forms R381Q, R562Q.
Identifiers: ClinVar variation 1006210 (VCV001006210.3), dbSNP rs376010445, ClinGen allele CA2752822.